The following is an entry in ClinVar:

ClinVar aggregate classification (germline): Likely benign (1 of 4 stars; one submission).

Allele frequency attached by ClinVar (database versions not stated): ExAC 0.00001.

Submission:

CeGaT Center for Human Genetics Tuebingen
Classification: Likely benign. Last evaluated: 2023-01-01. Review status: criteria provided, single submitter. Criteria: CeGaT Center For Human Genetics Tuebingen Variant Classification Criteria Version 2. Collection method: clinical testing. Allele origin: germline. Affected: yes. Observed: 1 variant allele.
Comment: KIAA1755: BP4, BP7

NM_001029864.2(KIAA1755):c.2493C>T (p.Asn831=)

Gene: KIAA1755 (KIAA1755; minus strand). Cytogenetic location: 20q11.23.
Variant type: single nucleotide variant.
Coding change: c.2493C>T on transcript NM_001029864.2 (MANE Select); coding-DNA position 2493, C replaced by T.
Protein change: p.Asn831=; no amino-acid change (asparagine 831 retained).
Molecular consequence: synonymous variant. On other transcripts: non-coding transcript variant (1).
Genome position (GRCh38, 1-based): chr20:38,219,693, G>A on the plus strand (C>T on the coding strand, the complement: KIAA1755 is on the minus strand). VCF-style: chr20-38219693-G-A. GRCh37 (hg19) VCF-style: chr20-36848095-G-A.
Other names: c.1446C>T, p.Asn482= (NM_001348708.2).
Identifiers: ClinVar variation 2652315 (VCV002652315.24), dbSNP rs761574275, ClinGen allele CA9851192.
Genomic context (GRCh38, chr20:38,219,693, plus strand): 5'-GTGAATGGCAGCTTCCAGGCGGCCCAGGCGGACACGGAGCTCCAGCTTCCCCAGGAGGCT[G>A]TTGGAAGCGGTGACCAGAACATGAAGCTGCTCGTCCACAAGGCTGTACAAGGCAGTGGCT-3'
Protein context (NP_001025035.1, residues 821-841): EQLHVLVTAS[Asn831=]SLLGKLELRV